The following is an entry in ClinVar:

ClinVar aggregate classification (germline): Uncertain significance (1 of 4 stars; one submission).

Conditions:
Neuroblastoma, susceptibility to, 3. Also called: ALK-Related Neuroblastic Tumor Susceptibility. Identifiers: Orphanet 635, MedGen C2751681, MONDO:0013083, OMIM 613014.

gnomAD v4.1: 1 of 1,614,220 alleles (0.000062%); no homozygotes.

Submission:

Labcorp Genetics (formerly Invitae), Labcorp
Classification: Uncertain significance for Neuroblastoma, susceptibility to, 3. Last evaluated: 2021-08-28. Review status: criteria provided, single submitter. Criteria: Invitae Variant Classification Sherloc (09022015). Collection method: clinical testing. Allele origin: germline.
Comment: In summary, the available evidence is currently insufficient to determine the role of this variant in disease. Therefore, it has been classified as a Variant of Uncertain Significance. Algorithms developed to predict the effect of missense changes on protein structure and function (SIFT, PolyPhen-2, Align-GVGD) all suggest that this variant is likely to be disruptive. This variant has not been reported in the literature in individuals affected with ALK-related conditions. This variant is present in population databases (rs761568836, ExAC no frequency). This sequence change replaces arginine with leucine at codon 806 of the ALK protein (p.Arg806Leu). The arginine residue is highly conserved and there is a moderate physicochemical difference between arginine and leucine.

NM_004304.5(ALK):c.2417G>T (p.Arg806Leu)

Gene: ALK (ALK receptor tyrosine kinase; minus strand). Cytogenetic location: 2p23.2.
Variant type: single nucleotide variant.
Coding change: c.2417G>T on transcript NM_004304.5 (MANE Select); coding-DNA position 2417, G replaced by T.
Protein change: p.Arg806Leu; replaces arginine 806 with leucine.
Molecular consequence: missense variant.
Genome position (GRCh38, 1-based): chr2:29,233,635, C>A on the plus strand (G>T on the coding strand, the complement: ALK is on the minus strand). VCF-style: chr2-29233635-C-A. GRCh37 (hg19) VCF-style: chr2-29456501-C-A.
Other names: short protein forms R806L.
Identifiers: ClinVar variation 864716 (VCV000864716.7), dbSNP rs761568836, ClinGen allele CA1594320.